The following is an entry in ClinVar:

ClinVar aggregate classification (germline): Uncertain significance. Review status: criteria provided, multiple submitters, no conflicts (2 of 4 stars). 8 submissions from 8 submitters: Uncertain significance (8). Last evaluated 2025-11-09.

Conditions:
Breast and/or ovarian cancer. Identifiers: MedGen CN221562.
Hereditary cancer-predisposing syndrome. Also called: Hereditary Cancer Syndrome; Neoplastic Syndromes, Hereditary; Tumor predisposition; Hereditary neoplastic syndrome. Identifiers: Orphanet 140162, MedGen C0027672, MeSH D009386, MONDO:0015356.
Ataxia-telangiectasia syndrome (AT). Also called: Cerebello-oculocutaneous telangiectasia; Immunodeficiency with ataxia telangiectasia; Ataxia-telangiectasia, complementation group E; Ataxia-telangiectasia, complementation group D; AT, COMPLEMENTATION GROUP C; ATAXIA-TELANGIECTASIA, COMPLEMENTATION GROUP A. Identifiers: Orphanet 100, MedGen C0004135, MONDO:0008840, OMIM 208900.
Familial cancer of breast. Also called: BREAST CANCER, FAMILIAL; Hereditary breast cancer; hereditary breast carcinoma. Identifiers: Orphanet 227535, MedGen C0346153, MONDO:0016419, OMIM 114480. Disease mechanism: loss of function.

Allele frequency attached by ClinVar (database versions not stated): TOPMed below 0.00001; gnomAD exomes 0.00001; ExAC 0.00002.
gnomAD v4.1: 5 of 1,613,220 alleles (0.00031%); highest among the groups gnomAD compares: Admixed American, 0.0017%; no homozygotes.

Submissions (8):

Labcorp Genetics (formerly Invitae), Labcorp
Classification: Uncertain significance for Ataxia-telangiectasia syndrome. Last evaluated: 2025-11-09. Review status: criteria provided, single submitter. Criteria: Invitae Variant Classification Sherloc (09022015). Collection method: clinical testing. Allele origin: germline.
Comment: This sequence change replaces cysteine, which is neutral and slightly polar, with serine, which is neutral and polar, at codon 2624 of the ATM protein (p.Cys2624Ser). This variant is present in population databases (rs759392666, gnomAD 0.003%). This missense change has been observed in individual(s) with breast cancer (PMID: 35264596). ClinVar contains an entry for this variant (Variation ID: 574618). Invitae Evidence Modeling of protein sequence and biophysical properties (such as structural, functional, and spatial information, amino acid conservation, physicochemical variation, residue mobility, and thermodynamic stability) indicates that this missense variant is not expected to disrupt ATM protein function with a negative predictive value of 95%. In summary, the available evidence is currently insufficient to determine the role of this variant in disease. Therefore, it has been classified as a Variant of Uncertain Significance.

Ambry Genetics
Classification: Uncertain significance for Hereditary cancer-predisposing syndrome. Last evaluated: 2025-10-16. Review status: criteria provided, single submitter. Criteria: Ambry Variant Classification Scheme 2023. Collection method: clinical testing. Allele origin: germline.
Comment: The p.C2624S variant (also known as c.7871G>C), located in coding exon 52 of the ATM gene, results from a G to C substitution at nucleotide position 7871. The cysteine at codon 2624 is replaced by serine, an amino acid with dissimilar properties. In an assay testing ATM function, this variant showed a functionally normal result (Lee KS et al. Cell, 2025 Sep;188:5081-5099.e27). This amino acid position is highly conserved in available vertebrate species. In addition, this alteration is predicted to be deleterious by in silico analysis. Based on the available evidence, the clinical significance of this variant remains unclear.

GeneDx
Classification: Uncertain significance. Last evaluated: 2025-03-26. Review status: criteria provided, single submitter. Criteria: GeneDx Variant Classification Process June 2021. Collection method: clinical testing. Allele origin: germline. Affected: yes.
Comment: Not observed at significant frequency in large population cohorts (gnomAD); In silico analysis supports that this missense variant has a deleterious effect on protein structure/function; This variant is associated with the following publications: (PMID: 35264596, 38136308, 32390558)

Baylor Genetics
Classification: Uncertain significance for Familial cancer of breast. Last evaluated: 2024-03-04. Review status: criteria provided, single submitter. Criteria: ACMG Guidelines, 2015. Collection method: clinical testing. Allele origin: unknown.

Mayo Clinic Laboratories, Mayo Clinic
Classification: Uncertain significance. Last evaluated: 2023-06-07. Review status: criteria provided, single submitter. Criteria: ACMG Guidelines, 2015. Collection method: clinical testing. Allele origin: germline. Observed: 1 variant allele.

Color Diagnostics, LLC DBA Color Health
Classification: Uncertain significance for Hereditary cancer-predisposing syndrome. Last evaluated: 2022-07-11. Review status: criteria provided, single submitter. Criteria: ACMG Guidelines, 2015. Collection method: clinical testing. Allele origin: germline.
Comment: This missense variant replaces cysteine with serine at codon 2624 of the ATM protein. Computational prediction is inconclusive regarding the impact of this variant on protein structure and function (internally defined REVEL score threshold 0.5 < inconclusive < 0.7, PMID: 27666373). To our knowledge, functional studies have not been performed for this variant. This variant has not been reported in individuals affected with hereditary cancer in the literature. This variant has been identified in 3/250852 chromosomes in the general population by the Genome Aggregation Database (gnomAD). The available evidence is insufficient to determine the role of this variant in disease conclusively. Therefore, this variant is classified as a Variant of Uncertain Significance.

CHEO Genetics Diagnostic Laboratory, Children's Hospital of Eastern Ontario
Classification: Uncertain significance for Breast and/or ovarian cancer. Last evaluated: 2020-07-22. Review status: criteria provided, single submitter. Criteria: ACMG Guidelines, 2015. Collection method: clinical testing. Allele origin: germline.

Mendelics
Classification: Uncertain significance for Ataxia-telangiectasia syndrome. Last evaluated: 2018-07-02. Review status: criteria provided, single submitter. Criteria: Mendelics Assertion Criteria 2017. Collection method: clinical testing. Allele origin: unknown.

Literature cited by the submitters: PubMed 35264596 (cited by 3 submitters); PubMed 40580951 (cited by Ambry Genetics).

NM_000051.4(ATM):c.7871G>C (p.Cys2624Ser)

Genes: C11orf65 (chromosome 11 open reading frame 65; minus strand), ATM (ATM serine/threonine kinase; plus strand). Cytogenetic location: 11q22.3.
Variant type: single nucleotide variant.
Coding change: c.7871G>C on transcript NM_000051.4 (MANE Select); coding-DNA position 7871, G replaced by C.
Protein change: p.Cys2624Ser; replaces cysteine 2624 with serine.
Molecular consequence: missense variant. On other transcripts: intron variant (2).
Genome position (GRCh38, 1-based): chr11:108,332,844, G>C. VCF-style: chr11-108332844-G-C. GRCh37 (hg19) VCF-style: chr11-108203571-G-C.
Other names: p.Cys2624Ser; c.7871G>C, p.Cys2624Ser (NM_001351834.2); c.641-23773C>G (NM_001330368.2); c.*38+2376C>G (NM_001351110.2); short protein forms C2624S.
Identifiers: ClinVar variation 574618 (VCV000574618.21), dbSNP rs759392666, ClinGen allele CA6266205.
Genomic context (GRCh38, chr11:108,332,844, plus strand): 5'-GAATAATATGTACTATCAGAAGTAGGAGACCTCAGATGGTCAGAAGTGTTGAGGCACTTT[G>C]TGATGCTTATATTATATTAGCAAACTTAGATGCCACTCAGTGGAAGACTCAGAGAAGTAT-3'
Protein context (NP_000042.3, residues 2614-2634): PQMVRSVEAL[Cys2624Ser]DAYIILANLD